The following is an entry in ClinVar:

NM_001365951.3(KIF1B):c.1348A>G (p.Ser450Gly)

Gene: KIF1B (kinesin family member 1B; plus strand). Cytogenetic location: 1p36.22.
Variant type: single nucleotide variant.
Coding change: c.1348A>G on transcript NM_001365951.3 (MANE Select); coding-DNA position 1348, A replaced by G.
Protein change: p.Ser450Gly; replaces serine 450 with glycine.
Molecular consequence: missense variant.
Genome position (GRCh38, 1-based): chr1:10,282,447, A>G. VCF-style: chr1-10282447-A-G. GRCh37 (hg19) VCF-style: chr1-10342505-A-G.
Other names: c.1348A>G, p.Ser450Gly (NM_001365952.1); c.1210A>G, p.Ser404Gly (NM_001365953.1, NM_015074.3, NM_183416.4); short protein forms S404G, S450G.
Identifiers: ClinVar variation 2448766 (VCV002448766.4), dbSNP rs2521256201, ClinGen allele CA338336323.
Genomic context (GRCh38, chr1:10,282,447, plus strand): 5'-CATTTTTCCACAGCATCCATGGGGTCCCTCACTTCATCCCCATCTTCCTGCTCACTCAGT[A>G]GTCAGGTGGGCTTGACGTCTGTGACCAGTATTCAAGAGAGGATCATGTCTACACCTGGAG-3'
Protein context (NP_001352880.1, residues 440-460): TSSPSSCSLS[Ser450Gly]QVGLTSVTSI

ClinVar aggregate classification (germline): Uncertain significance. Review status: criteria provided, multiple submitters, no conflicts (2 of 4 stars). 2 submissions from 2 submitters: Uncertain significance (2). Last evaluated 2024-08-21.

Conditions:
Charcot-Marie-Tooth disease type 2. Also called: Charcot-Marie-Tooth type 2. Identifiers: Orphanet 64746, MedGen C0270914, MONDO:0018993.

Submissions (2):

Labcorp Genetics (formerly Invitae), Labcorp
Classification: Uncertain significance for Charcot-Marie-Tooth disease type 2. Last evaluated: 2024-08-21. Review status: criteria provided, single submitter. Criteria: Invitae Variant Classification Sherloc (09022015). Collection method: clinical testing. Allele origin: germline.
Comment: This sequence change replaces serine, which is neutral and polar, with glycine, which is neutral and non-polar, at codon 404 of the KIF1B protein (p.Ser404Gly). This variant is not present in population databases (gnomAD no frequency). This variant has not been reported in the literature in individuals affected with KIF1B-related conditions. ClinVar contains an entry for this variant (Variation ID: 2448766). Invitae Evidence Modeling of protein sequence and biophysical properties (such as structural, functional, and spatial information, amino acid conservation, physicochemical variation, residue mobility, and thermodynamic stability) indicates that this missense variant is not expected to disrupt KIF1B protein function with a negative predictive value of 80%. In summary, the available evidence is currently insufficient to determine the role of this variant in disease. Therefore, it has been classified as a Variant of Uncertain Significance.

Ambry Genetics
Classification: Uncertain significance. Last evaluated: 2023-02-04. Review status: criteria provided, single submitter. Criteria: Ambry Variant Classification Scheme 2023. Collection method: clinical testing. Allele origin: germline.
Comment: The p.S404G variant (also known as c.1210A>G), located in coding exon 12 of the KIF1B gene, results from an A to G substitution at nucleotide position 1210. The serine at codon 404 is replaced by glycine, an amino acid with similar properties. This amino acid position is conserved. In addition, this alteration is predicted to be tolerated by in silico analysis. Since supporting evidence is limited at this time, the clinical significance of this alteration remains unclear.